The following is an entry in ClinVar:

NM_080680.3(COL11A2):c.5116G>A (p.Glu1706Lys)

Gene: COL11A2 (collagen type XI alpha 2 chain; minus strand). Cytogenetic location: 6p21.32.
Variant type: single nucleotide variant.
Coding change: c.5116G>A on transcript NM_080680.3 (MANE Select); coding-DNA position 5116, G replaced by A.
Protein change: p.Glu1706Lys; replaces glutamic acid 1706 with lysine.
Molecular consequence: missense variant.
Genome position (GRCh38, 1-based): chr6:33,163,773, C>T on the plus strand (G>A on the coding strand, the complement: COL11A2 is on the minus strand). VCF-style: chr6-33163773-C-T. GRCh37 (hg19) VCF-style: chr6-33131550-C-T.
Other names: c.4795G>A, p.Glu1599Lys (NM_080679.3); c.4858G>A, p.Glu1620Lys (NM_080681.3); short protein forms E1620K, E1599K, E1706K.
Identifiers: ClinVar variation 1495532 (VCV001495532.6), dbSNP rs2150508180, ClinGen allele CA363615621.

ClinVar aggregate classification (germline): Uncertain significance (1 of 4 stars; one submission).

Submission:

Labcorp Genetics (formerly Invitae), Labcorp
Classification: Uncertain significance. Last evaluated: 2021-10-10. Review status: criteria provided, single submitter. Criteria: Invitae Variant Classification Sherloc (09022015). Collection method: clinical testing. Allele origin: germline.
Comment: This sequence change replaces glutamic acid with lysine at codon 1706 of the COL11A2 protein (p.Glu1706Lys). The glutamic acid residue is highly conserved and there is a small physicochemical difference between glutamic acid and lysine. This variant is not present in population databases (ExAC no frequency). This variant has not been reported in the literature in individuals affected with COL11A2-related conditions. Advanced modeling of protein sequence and biophysical properties (such as structural, functional, and spatial information, amino acid conservation, physicochemical variation, residue mobility, and thermodynamic stability) performed at Invitae indicates that this missense variant is not expected to disrupt COL11A2 protein function. In summary, the available evidence is currently insufficient to determine the role of this variant in disease. Therefore, it has been classified as a Variant of Uncertain Significance.